The following is an entry in ClinVar:

NM_001256071.3(RNF213):c.11715C>T (p.Ser3905=)

Genes: RNF213 (ring finger protein 213; plus strand), RNF213-AS1 (RNF213 antisense RNA 1; minus strand). Cytogenetic location: 17q25.3.
Variant type: single nucleotide variant.
Coding change: c.11715C>T on transcript NM_001256071.3 (MANE Select); coding-DNA position 11715, C replaced by T.
Protein change: p.Ser3905=; no amino-acid change (serine 3905 retained).
Molecular consequence: synonymous variant.
Genome position (GRCh38, 1-based): chr17:80,363,755, C>T. VCF-style: chr17-80363755-C-T. GRCh37 (hg19) VCF-style: chr17-78337555-C-T.
Identifiers: ClinVar variation 743455 (VCV000743455.6), dbSNP rs775719348, ClinGen allele CA8821910.

ClinVar aggregate classification (germline): Likely benign. Review status: criteria provided, multiple submitters, no conflicts (2 of 4 stars). 3 submissions from 3 submitters: Likely benign (2). 1 of the submissions does not count toward it. Last evaluated 2024-02-06.

Conditions:
RNF213-related disorder. Also called: RNF213-related condition.

Allele frequency attached by ClinVar (database versions not stated): gnomAD exomes 0.00002; ExAC 0.00001; gnomAD 0.00001.
gnomAD v4.1: 19 of 1,613,566 alleles (0.0012%); highest among the groups gnomAD compares: East Asian, 0.0067%; no homozygotes.

Submissions (3):

Women's Health and Genetics/Laboratory Corporation of America, LabCorp
Classification: Likely benign. Last evaluated: 2024-02-06. Review status: criteria provided, single submitter. Criteria: LabCorp Variant Classification Summary - May 2015. Collection method: clinical testing. Allele origin: germline.

Labcorp Genetics (formerly Invitae), Labcorp
Classification: Likely benign. Last evaluated: 2018-05-05. Review status: criteria provided, single submitter. Criteria: Invitae Variant Classification Sherloc (09022015). Collection method: clinical testing. Allele origin: germline.

PreventionGenetics, part of Exact Sciences
Classification: Likely benign for RNF213-related condition. Last evaluated: 2019-03-26. Review status: no assertion criteria provided. Collection method: clinical testing. Allele origin: germline. Not counted in ClinVar's aggregate classification.
Comment: This variant is classified as likely benign based on ACMG/AMP sequence variant interpretation guidelines (Richards et al. 2015 PMID: 25741868, with internal and published modifications).